The following is an entry in ClinVar:

ClinVar aggregate classification (germline): Uncertain significance. Review status: criteria provided, multiple submitters, no conflicts (2 of 4 stars). 4 submissions from 4 submitters: Uncertain significance (4). Last evaluated 2025-08-20.

Conditions:
Hereditary cancer-predisposing syndrome. Also called: Neoplastic Syndromes, Hereditary; Hereditary Cancer Syndrome; Tumor predisposition; Hereditary neoplastic syndrome. Identifiers: Orphanet 140162, MedGen C0027672, MeSH D009386, MONDO:0015356.
Familial cancer of breast. Also called: Hereditary breast cancer; BREAST CANCER, FAMILIAL; hereditary breast carcinoma. Identifiers: Orphanet 227535, MedGen C0346153, MONDO:0016419, OMIM 114480. Disease mechanism: loss of function.
Ataxia-telangiectasia syndrome (AT). Also called: LOUIS-BAR SYNDROME; Cerebello-oculocutaneous telangiectasia; Immunodeficiency with ataxia telangiectasia; Ataxia-telangiectasia, complementation group D; AT, COMPLEMENTATION GROUP C; Ataxia-telangiectasia, complementation group E. Identifiers: Orphanet 100, MedGen C0004135, MONDO:0008840, OMIM 208900.

Submissions (4):

Ambry Genetics
Classification: Uncertain significance for Hereditary cancer-predisposing syndrome. Last evaluated: 2025-08-20. Review status: criteria provided, single submitter. Criteria: Ambry Variant Classification Scheme 2023. Collection method: clinical testing. Allele origin: germline.
Comment: The p.I2356V variant (also known as c.7066A>G), located in coding exon 47 of the ATM gene, results from an A to G substitution at nucleotide position 7066. The isoleucine at codon 2356 is replaced by valine, an amino acid with highly similar properties. This amino acid position is highly conserved in available vertebrate species. In addition, the in silico prediction for this alteration is inconclusive. Since supporting evidence is limited at this time, the clinical significance of this alteration remains unclear.

Labcorp Genetics (formerly Invitae), Labcorp
Classification: Uncertain significance for Ataxia-telangiectasia syndrome. Last evaluated: 2024-05-17. Review status: criteria provided, single submitter. Criteria: Invitae Variant Classification Sherloc (09022015). Collection method: clinical testing. Allele origin: germline.
Comment: This sequence change replaces isoleucine, which is neutral and non-polar, with valine, which is neutral and non-polar, at codon 2356 of the ATM protein (p.Ile2356Val). This variant is not present in population databases (gnomAD no frequency). This variant has not been reported in the literature in individuals affected with ATM-related conditions. ClinVar contains an entry for this variant (Variation ID: 453658). An algorithm developed to predict the effect of missense changes on protein structure and function (PolyPhen-2) suggests that this variant is likely to be disruptive. In summary, the available evidence is currently insufficient to determine the role of this variant in disease. Therefore, it has been classified as a Variant of Uncertain Significance.

Baylor Genetics
Classification: Uncertain significance for Familial cancer of breast. Last evaluated: 2023-12-12. Review status: criteria provided, single submitter. Criteria: ACMG Guidelines, 2015. Collection method: clinical testing. Allele origin: unknown.

Color Diagnostics, LLC DBA Color Health
Classification: Uncertain significance for Hereditary cancer-predisposing syndrome. Last evaluated: 2023-05-31. Review status: criteria provided, single submitter. Criteria: ACMG Guidelines, 2015. Collection method: clinical testing. Allele origin: germline.
Comment: This missense variant replaces isoleucine with valine at codon 2356 of the ATM protein. Computational prediction tool suggests that this variant may not impact protein structure and function (internally defined REVEL score threshold <=0.5, PMID: 27666373). To our knowledge, functional studies have not been performed for this variant. This variant has not been reported in individuals affected with hereditary cancer in the literature. This variant has not been identified in the general population by the Genome Aggregation Database (gnomAD). The available evidence is insufficient to determine the role of this variant in disease conclusively. Therefore, this variant is classified as a Variant of Uncertain Significance.

NM_000051.4(ATM):c.7066A>G (p.Ile2356Val)

Genes: ATM (ATM serine/threonine kinase; plus strand), C11orf65 (chromosome 11 open reading frame 65; minus strand). Cytogenetic location: 11q22.3.
Variant type: single nucleotide variant.
Coding change: c.7066A>G on transcript NM_000051.4 (MANE Select); coding-DNA position 7066, A replaced by G.
Protein change: p.Ile2356Val; replaces isoleucine 2356 with valine.
Molecular consequence: missense variant. On other transcripts: intron variant (2).
Genome position (GRCh38, 1-based): chr11:108,327,735, A>G. VCF-style: chr11-108327735-A-G. GRCh37 (hg19) VCF-style: chr11-108198462-A-G.
Other names: c.7066A>G, p.Ile2356Val (NM_001351834.2); c.641-18664T>C (NM_001330368.2); c.*38+7485T>C (NM_001351110.2); short protein forms I2356V.
Identifiers: ClinVar variation 453658 (VCV000453658.18), dbSNP rs876658517, ClinGen allele CA382559059.
Genomic context (GRCh38, chr11:108,327,735, plus strand): 5'-GAATGTCTGAGGGTTTGTGGCAACTGGTTAGCAGAAACGTGCTTAGAAAATCCTGCGGTC[A>G]TCATGCAGACCTATCTAGAAAAGGTAAGATTTTTGGAGCAACCCTTAAGATAGTTACTTA-3'
Protein context (NP_000042.3, residues 2346-2366): AETCLENPAV[Ile2356Val]MQTYLEKAVE